The following is an entry in ClinVar:

NM_000709.4(BCKDHA):c.796_797delinsT (p.Asn266fs)

Gene: BCKDHA (branched chain keto acid dehydrogenase E1 subunit alpha; plus strand). Cytogenetic location: 19q13.2.
Variant type: Indel.
Coding change: c.796_797delinsT on transcript NM_000709.4 (MANE Select); coding-DNA positions 796 to 797, AA replaced by T.
Protein change: p.Asn266fs; shifts the reading frame from asparagine 266.
Molecular consequence: frameshift variant.
Genome position (GRCh38, 1-based): chr19:41,422,313-41,422,314, AA replaced by T. VCF-style: chr19-41422313-AA-T. GRCh37 (hg19) VCF-style: chr19-41928218-AA-T.
Other names: c.796_797delinsT, p.Asn266fs (NM_001164783.2); short protein forms N266fs.
Identifiers: ClinVar variation 2782918 (VCV002782918.3), dbSNP rs754303047, ClinGen allele CA2739276836.

ClinVar aggregate classification (germline): Pathogenic (1 of 4 stars; one submission).

Conditions:
Maple syrup urine disease (MSUD). Identifiers: Orphanet 511, MedGen C0024776, MeSH D008375, MONDO:0009563. Disease mechanism: loss of function.

Submission:

Labcorp Genetics (formerly Invitae), Labcorp
Classification: Pathogenic for Maple syrup urine disease. Last evaluated: 2023-02-11. Review status: criteria provided, single submitter. Criteria: Invitae Variant Classification Sherloc (09022015). Collection method: clinical testing. Allele origin: germline.
Comment: This sequence change creates a premature translational stop signal (p.Asn266Serfs*64) in the BCKDHA gene. It is expected to result in an absent or disrupted protein product. Loss-of-function variants in BCKDHA are known to be pathogenic (PMID: 16786533, 22593002). Information on the frequency of this variant in the gnomAD database is not available, as this variant may be reported differently in the database. This variant has not been reported in the literature in individuals affected with BCKDHA-related conditions. ClinVar contains an entry for this variant (Variation ID: 947456). For these reasons, this variant has been classified as Pathogenic.

Literature cited by the submitters: PubMed 16786533; PubMed 22593002.